The following is an entry in ClinVar:

NM_004113.6(FGF12):c.14-47577G>A

Gene: FGF12 (fibroblast growth factor 12; minus strand). Cytogenetic location: 3q28.
Variant type: single nucleotide variant.
Coding change: c.14-47577G>A on transcript NM_004113.6 (MANE Select); 47577 bases into the intron before coding-DNA position 14, G replaced by A.
Molecular consequence: intron variant. On other transcripts: missense variant (1).
Genome position (GRCh38, 1-based): chr3:192,408,115, C>T on the plus strand (G>A on the coding strand, the complement: FGF12 is on the minus strand). VCF-style: chr3-192408115-C-T. GRCh37 (hg19) VCF-style: chr3-192125904-C-T.
Other names: c.109G>A, p.Gly37Arg (NM_021032.5); c.-59-47577G>A (NM_001377293.1); c.14-72651G>A (NM_001377292.1); c.-60+1397G>A (NM_001377294.1); short protein forms G37R.
Identifiers: ClinVar variation 2112614 (VCV002112614.4), dbSNP rs2474488432, ClinGen allele CA355866718.
Genomic context (GRCh38, chr3:192,408,115, plus strand): 5'-CGCTGCAGAAGCGCACTTTGCTGAACACCCCGAGGACGTGCCTCTCGCACAGGGAGCGCC[C>T]GTCTTTGCTGGGGCTGGAGCGGCGCTTGGAGGCCGACACTCGGTCGCTGTTGGACTCCCT-3'

ClinVar aggregate classification (germline): Uncertain significance (1 of 4 stars; one submission).

Allele frequency attached by ClinVar (database versions not stated): gnomAD exomes below 0.00001.
gnomAD v4.1: 1 of 1,613,116 alleles (0.000062%); highest among the groups gnomAD compares: Non-Finnish European, 0.000085%; no homozygotes.

Submission:

Labcorp Genetics (formerly Invitae), Labcorp
Classification: Uncertain significance. Last evaluated: 2022-05-04. Review status: criteria provided, single submitter. Criteria: Invitae Variant Classification Sherloc (09022015). Collection method: clinical testing. Allele origin: germline.
Comment: In summary, the available evidence is currently insufficient to determine the role of this variant in disease. Therefore, it has been classified as a Variant of Uncertain Significance. Algorithms developed to predict the effect of missense changes on protein structure and function (SIFT, PolyPhen-2, Align-GVGD) all suggest that this variant is likely to be tolerated. This variant has not been reported in the literature in individuals affected with FGF12-related conditions. This variant is not present in population databases (gnomAD no frequency). This sequence change replaces glycine, which is neutral and non-polar, with arginine, which is basic and polar, at codon 37 of the FGF12 protein (p.Gly37Arg).